The following is an entry in ClinVar:

NM_000051.4(ATM):c.1745_1749del (p.Phe582fs)

Gene: ATM (ATM serine/threonine kinase; plus strand). Cytogenetic location: 11q22.3.
Variant type: Deletion.
Coding change: c.1745_1749del on transcript NM_000051.4 (MANE Select); coding-DNA positions 1745 to 1749, 5 bases deleted (TCTAT; older notation c.1745_1749delTCTAT).
Protein change: p.Phe582fs; shifts the reading frame from phenylalanine 582.
Molecular consequence: frameshift variant.
Genome position (GRCh38, 1-based): chr11:108,251,974-108,251,978, TCTAT deleted; deleting any 5 consecutive bases within chr11:108,251,971-108,251,978 gives the same sequence; the c. name uses the placement nearest the transcript's 3' end. VCF-style (leftmost placement, unchanged base first): chr11-108251970-TTATTC-T. GRCh37 (hg19) VCF-style: chr11-108122697-TTATTC-T.
Other names: c.1745_1749delTCTAT (NM_000051.3); c.1745_1749del, p.Phe582fs (NM_001351834.2); short protein forms F582fs.
Identifiers: ClinVar variation 584778 (VCV000584778.11), dbSNP rs1565385883, ClinGen allele CA891842909.

ClinVar aggregate classification (germline): Pathogenic. Review status: criteria provided, multiple submitters, no conflicts (2 of 4 stars). 4 submissions from 4 submitters: Pathogenic (4). Last evaluated 2025-02-05.

Conditions:
Hereditary cancer-predisposing syndrome. Also called: Neoplastic Syndromes, Hereditary; Hereditary Cancer Syndrome; Tumor predisposition; Hereditary neoplastic syndrome. Identifiers: Orphanet 140162, MedGen C0027672, MeSH D009386, MONDO:0015356.
Ataxia-telangiectasia syndrome (AT). Also called: Ataxia-telangiectasia, complementation group D; AT, COMPLEMENTATION GROUP C; Ataxia-telangiectasia, complementation group E; Cerebello-oculocutaneous telangiectasia; Immunodeficiency with ataxia telangiectasia; ATAXIA-TELANGIECTASIA, COMPLEMENTATION GROUP A. Identifiers: Orphanet 100, MedGen C0004135, MONDO:0008840, OMIM 208900.
Familial cancer of breast. Also called: hereditary breast carcinoma; BREAST CANCER, FAMILIAL; Hereditary breast cancer. Identifiers: Orphanet 227535, MedGen C0346153, MONDO:0016419, OMIM 114480. Disease mechanism: loss of function.

Submissions (4):

Ambry Genetics
Classification: Pathogenic for Hereditary cancer-predisposing syndrome. Last evaluated: 2025-02-05. Review status: criteria provided, single submitter. Criteria: Ambry Variant Classification Scheme 2023. Collection method: clinical testing. Allele origin: germline.
Comment: The c.1745_1749delTCTAT pathogenic mutation, located in coding exon 10 of the ATM gene, results from a deletion of 5 nucleotides at nucleotide positions 1745 to 1749, causing a translational frameshift with a predicted alternate stop codon (p.F582Sfs*5). This variant is considered to be rare based on population cohorts in the Genome Aggregation Database (gnomAD). This alteration is expected to result in loss of function by premature protein truncation or nonsense-mediated mRNA decay. As such, this alteration is interpreted as a disease-causing mutation.

Myriad Genetics, Inc.
Classification: Pathogenic for Familial cancer of breast. Last evaluated: 2024-01-16. Review status: criteria provided, single submitter. Criteria: Myriad Autosomal Dominant, Autosomal Recessive and X-Linked Classification Criteria (2023). Collection method: clinical testing. Allele origin: unknown.
Comment: This variant is considered pathogenic. This variant creates a frameshift predicted to result in premature protein truncation.

Labcorp Genetics (formerly Invitae), Labcorp
Classification: Pathogenic for Ataxia-telangiectasia syndrome. Last evaluated: 2023-12-12. Review status: criteria provided, single submitter. Criteria: Invitae Variant Classification Sherloc (09022015). Collection method: clinical testing. Allele origin: germline.
Comment: This sequence change creates a premature translational stop signal (p.Phe582Serfs*5) in the ATM gene. It is expected to result in an absent or disrupted protein product. Loss-of-function variants in ATM are known to be pathogenic (PMID: 23807571, 25614872). This variant is not present in population databases (gnomAD no frequency). This variant has not been reported in the literature in individuals affected with ATM-related conditions. ClinVar contains an entry for this variant (Variation ID: 584778). Algorithms developed to predict the effect of sequence changes on RNA splicing suggest that this variant may disrupt the consensus splice site. For these reasons, this variant has been classified as Pathogenic.

Mendelics
Classification: Pathogenic for Ataxia-telangiectasia syndrome. Last evaluated: 2018-07-02. Review status: criteria provided, single submitter. Criteria: Mendelics Assertion Criteria 2017. Collection method: clinical testing. Allele origin: unknown.

Literature cited by the submitters: PubMed 23807571 (cited by Labcorp Genetics (formerly Invitae), Labcorp); PubMed 25614872 (cited by Labcorp Genetics (formerly Invitae), Labcorp).